The following is an entry in ClinVar:

ClinVar aggregate classification (germline): Uncertain significance (1 of 4 stars; one submission).

Conditions:
Charcot-Marie-Tooth disease type 2. Also called: Charcot-Marie-Tooth type 2. Identifiers: Orphanet 64746, MedGen C0270914, MONDO:0018993.

Allele frequency attached by ClinVar (database versions not stated): gnomAD exomes below 0.00001; ExAC 0.00001.

Submission:

Labcorp Genetics (formerly Invitae), Labcorp
Classification: Uncertain significance for Charcot-Marie-Tooth disease type 2. Last evaluated: 2025-02-24. Review status: criteria provided, single submitter. Criteria: Invitae Variant Classification Sherloc (09022015). Collection method: clinical testing. Allele origin: germline.
Comment: This sequence change replaces isoleucine, which is neutral and non-polar, with threonine, which is neutral and polar, at codon 752 of the AARS protein (p.Ile752Thr). This variant is present in population databases (rs762643701, gnomAD 0.003%). This variant has not been reported in the literature in individuals affected with AARS-related conditions. ClinVar contains an entry for this variant (Variation ID: 2903861). Invitae Evidence Modeling of protein sequence and biophysical properties (such as structural, functional, and spatial information, amino acid conservation, physicochemical variation, residue mobility, and thermodynamic stability) indicates that this missense variant is expected to disrupt AARS protein function with a positive predictive value of 95%. In summary, the available evidence is currently insufficient to determine the role of this variant in disease. Therefore, it has been classified as a Variant of Uncertain Significance.

NM_001605.3(AARS1):c.2255T>C (p.Ile752Thr)

Gene: AARS1 (alanyl-tRNA synthetase 1; minus strand). Cytogenetic location: 16q22.1.
Variant type: single nucleotide variant.
Coding change: c.2255T>C on transcript NM_001605.3 (MANE Select); coding-DNA position 2255, T replaced by C.
Protein change: p.Ile752Thr; replaces isoleucine 752 with threonine.
Molecular consequence: missense variant.
Genome position (GRCh38, 1-based): chr16:70,255,759, A>G on the plus strand (T>C on the coding strand, the complement: AARS1 is on the minus strand). VCF-style: chr16-70255759-A-G. GRCh37 (hg19) VCF-style: chr16-70289662-A-G.
Other names: short protein forms I752T.
Identifiers: ClinVar variation 2903861 (VCV002903861.3), dbSNP rs762643701, ClinGen allele CA8140504.